The following is an entry in ClinVar:

ClinVar aggregate classification (germline): Uncertain significance (1 of 4 stars; one submission).

Conditions:
MHC class I deficiency. Identifiers: Orphanet 34592, MedGen C6024714, MONDO:0011476.

Submission:

Labcorp Genetics (formerly Invitae), Labcorp
Classification: Uncertain significance for MHC class I deficiency 1. Last evaluated: 2025-06-27. Review status: criteria provided, single submitter. Criteria: Invitae Variant Classification Sherloc (09022015). Collection method: clinical testing. Allele origin: germline.
Comment: This sequence change falls in intron 7 of the TAPBP gene. It does not directly change the encoded amino acid sequence of the TAPBP protein. It affects a nucleotide within the consensus splice site. This variant is not present in population databases (gnomAD no frequency). This variant has not been reported in the literature in individuals affected with TAPBP-related conditions. Variants that disrupt the consensus splice site are a relatively common cause of aberrant splicing (PMID: 17576681, 9536098). Algorithms developed to predict the effect of sequence changes on RNA splicing suggest that this variant may disrupt the consensus splice site. In summary, the available evidence is currently insufficient to determine the role of this variant in disease. Therefore, it has been classified as a Variant of Uncertain Significance.

Literature cited by the submitters: PubMed 17576681; PubMed 9536098.

NM_003190.5(TAPBP):c.1335+4_1335+5del

Gene: TAPBP (TAP binding protein; minus strand). Cytogenetic location: 6p21.32.
Variant type: Deletion.
Coding change: c.1335+4_1335+5del on transcript NM_003190.5 (MANE Select); bases 4 to 5 of the intron after coding-DNA position 1335, 2 bases deleted (CA; older notation c.1335+4_1335+5delCA).
Molecular consequence: intron variant. On other transcripts: frameshift variant (1).
Genome position (GRCh38, 1-based): chr6:33,303,950-33,303,951, TG deleted on the plus strand (CA on the coding strand, the reverse complement: TAPBP is on the minus strand); deleting any 2 consecutive bases within chr6:33,303,950-33,303,952 gives the same sequence; the c. name uses the placement nearest the transcript's 3' end. VCF-style (leftmost placement, unchanged base first): chr6-33303949-CTG-C. GRCh37 (hg19) VCF-style: chr6-33271726-CTG-C.
Other names: c.1339_1340del, p.Gln447fs (NM_172208.3); c.1074+4_1074+5del (NM_172209.3); c.1300+177_1300+178del (NM_001410875.1); short protein forms Q447fs.
Identifiers: ClinVar variation 4722225 (VCV004722225.1).